The following is an entry in ClinVar:

ClinVar aggregate classification (germline): Benign/Likely benign. Review status: criteria provided, multiple submitters, no conflicts (2 of 4 stars). 3 submissions from 3 submitters: Benign (1); Likely benign (1). 1 of the submissions does not count toward it. Last evaluated 2026-09-01.

Conditions:
CNOT1-related disorder. Also called: CNOT1-related condition.

Allele frequency attached by ClinVar (database versions not stated): ESP Exome Variant Server 0.00038; 1000 Genomes Project 30x 0.00094; ExAC 0.00111; gnomAD 0.00111; 1000 Genomes Project 0.00120; TOPMed 0.00213.
gnomAD v4.1: 879 of 1,613,098 alleles (0.054%); highest among the groups gnomAD compares: Admixed American, 0.94%; 1 homozygote.

Submissions (3):

CeGaT Center for Human Genetics Tuebingen
Classification: Likely benign. Last evaluated: 2026-09-01. Review status: criteria provided, single submitter. Criteria: CeGaT Center For Human Genetics Tuebingen Variant Classification Criteria Version 2. Collection method: clinical testing. Allele origin: germline. Affected: yes. Observed: 3 variant alleles.
Comment: CNOT1: PP2, BS1

Labcorp Genetics (formerly Invitae), Labcorp
Classification: Benign. Last evaluated: 2026-02-03. Review status: criteria provided, single submitter. Criteria: Invitae Variant Classification Sherloc (09022015). Collection method: clinical testing. Allele origin: germline.

PreventionGenetics, part of Exact Sciences
Classification: Benign for CNOT1-related condition. Last evaluated: 2019-06-25. Review status: no assertion criteria provided. Collection method: clinical testing. Allele origin: germline. Not counted in ClinVar's aggregate classification.
Comment: This variant is classified as benign based on ACMG/AMP sequence variant interpretation guidelines (Richards et al. 2015 PMID: 25741868, with internal and published modifications).

NM_016284.5(CNOT1):c.6611A>G (p.Asn2204Ser)

Gene: CNOT1 (CCR4-NOT transcription complex subunit 1; minus strand). Cytogenetic location: 16q21.
Variant type: single nucleotide variant.
Coding change: c.6611A>G on transcript NM_016284.5 (MANE Select); coding-DNA position 6611, A replaced by G.
Protein change: p.Asn2204Ser; replaces asparagine 2204 with serine.
Molecular consequence: missense variant. On other transcripts: non-coding transcript variant (1).
Genome position (GRCh38, 1-based): chr16:58,525,352, T>C on the plus strand (A>G on the coding strand, the complement: CNOT1 is on the minus strand). VCF-style: chr16-58525352-T-C. GRCh37 (hg19) VCF-style: chr16-58559256-T-C.
Other names: c.6596A>G, p.Asn2199Ser (NM_001265612.2); c.6611A>G (NM_016284.4); short protein forms N2199S, N2204S.
Identifiers: ClinVar variation 2041463 (VCV002041463.11), dbSNP rs149535222, ClinGen allele CA8088622.